The following is an entry in ClinVar:

NM_017849.4(TMEM127):c.67C>A (p.Leu23Met)

Genes: TMEM127 (transmembrane protein 127; minus strand), LOC129934333 (ATAC-STARR-seq lymphoblastoid silent region 11759; plus strand). Cytogenetic location: 2q11.2.
Variant type: single nucleotide variant.
Coding change: c.67C>A on transcript NM_017849.4 (MANE Select); coding-DNA position 67, C replaced by A.
Protein change: p.Leu23Met; replaces leucine 23 with methionine.
Molecular consequence: missense variant.
Genome position (GRCh38, 1-based): chr2:96,265,315, G>T on the plus strand (C>A on the coding strand, the complement: TMEM127 is on the minus strand). VCF-style: chr2-96265315-G-T. GRCh37 (hg19) VCF-style: chr2-96931053-G-T.
Other names: c.67C>A, p.Leu23Met (NM_001193304.3); short protein forms L23M.
Identifiers: ClinVar variation 463856 (VCV000463856.15), dbSNP rs749807415, ClinGen allele CA347656182.

ClinVar aggregate classification (germline): Uncertain significance. Review status: criteria provided, multiple submitters, no conflicts (2 of 4 stars). 3 submissions from 3 submitters: Uncertain significance (3). Last evaluated 2025-05-05.

Conditions:
Hereditary cancer-predisposing syndrome. Also called: Neoplastic Syndromes, Hereditary; Hereditary neoplastic syndrome; Tumor predisposition; Hereditary Cancer Syndrome. Identifiers: Orphanet 140162, MedGen C0027672, MeSH D009386, MONDO:0015356.
Hereditary pheochromocytoma and paraganglioma. Also called: Hereditary Paraganglioma-Pheochromocytoma Syndromes; Hereditary paragangliomas and pheochromocytomas; Hereditary pheochromocytoma-paraganglioma. Identifiers: Orphanet 29072, MedGen C4274332, MONDO:0017366.
Pheochromocytoma. Also called: MAX-Related Hereditary Paraganglioma-Pheochromocytoma Syndrome. Identifiers: Orphanet 29072, MedGen C0031511, MONDO:0008233, OMIM 171300, HP:0002666.

Allele frequency attached by ClinVar (database versions not stated): gnomAD 0.00001; TOPMed 0.00001.
gnomAD v4.1: 8 of 1,535,598 alleles (0.00052%); highest among the groups gnomAD compares: Admixed American, 0.016%; no homozygotes.

Submissions (3):

Labcorp Genetics (formerly Invitae), Labcorp
Classification: Uncertain significance for Hereditary pheochromocytoma and paraganglioma. Last evaluated: 2025-05-05. Review status: criteria provided, single submitter. Criteria: Invitae Variant Classification Sherloc (09022015). Collection method: clinical testing. Allele origin: germline.
Comment: This sequence change replaces leucine, which is neutral and non-polar, with methionine, which is neutral and non-polar, at codon 23 of the TMEM127 protein (p.Leu23Met). This variant is present in population databases (no rsID available, gnomAD 0.02%). This variant has not been reported in the literature in individuals affected with TMEM127-related conditions. ClinVar contains an entry for this variant (Variation ID: 463856). Experimental studies and prediction algorithms are not available or were not evaluated, and the functional significance of this variant is currently unknown. In summary, the available evidence is currently insufficient to determine the role of this variant in disease. Therefore, it has been classified as a Variant of Uncertain Significance.

Ambry Genetics
Classification: Uncertain significance for Hereditary cancer-predisposing syndrome. Last evaluated: 2025-02-18. Review status: criteria provided, single submitter. Criteria: Ambry Variant Classification Scheme 2023. Collection method: clinical testing. Allele origin: germline.
Comment: The p.L23M variant (also known as c.67C>A), located in coding exon 1 of the TMEM127 gene, results from a C to A substitution at nucleotide position 67. The leucine at codon 23 is replaced by methionine, an amino acid with highly similar properties. This amino acid position is well conserved in available vertebrate species. In addition, this alteration is predicted to be tolerated by in silico analysis. Since supporting evidence is limited at this time, the clinical significance of this alteration remains unclear.

Baylor Genetics
Classification: Uncertain significance for Pheochromocytoma. Last evaluated: 2023-11-24. Review status: criteria provided, single submitter. Criteria: ACMG Guidelines, 2015. Collection method: clinical testing. Allele origin: unknown. Study: CSER-TexasKidsCanSeq.